The following is an entry in ClinVar:

NM_001999.4(FBN2):c.1232-252A>G

Gene: FBN2 (fibrillin 2; minus strand). Cytogenetic location: 5q23.3.
Variant type: single nucleotide variant.
Coding change: c.1232-252A>G on transcript NM_001999.4 (MANE Select); 252 bases into the intron before coding-DNA position 1232, A replaced by G.
Molecular consequence: intron variant.
Genome position (GRCh38, 1-based): chr5:128,393,620, T>C on the plus strand (A>G on the coding strand, the complement: FBN2 is on the minus strand). VCF-style: chr5-128393620-T-C. GRCh37 (hg19) VCF-style: chr5-127729313-T-C.
Identifiers: ClinVar variation 673550 (VCV000673550.1), dbSNP rs76328881, ClinGen allele CA127034121.

ClinVar aggregate classification (germline): Likely benign (1 of 4 stars; one submission).

Allele frequency attached by ClinVar (database versions not stated): gnomAD 0.00886 and 0.00950; 1000 Genomes Project 0.00899; TOPMed 0.00953; 1000 Genomes Project 30x 0.00968.
gnomAD v4.1: 1,332 of 152,382 alleles (0.87%); highest among the groups gnomAD compares: African/African-American, 3%; 19 homozygotes.

Submission:

GeneDx
Classification: Likely benign. Last evaluated: 2018-06-16. Review status: criteria provided, single submitter. Criteria: GeneDx Variant Classification (06012015). Collection method: clinical testing. Allele origin: germline. Affected: yes.
Comment: This variant is considered likely benign or benign based on one or more of the following criteria: it is a conservative change, it occurs at a poorly conserved position in the protein, it is predicted to be benign by multiple in silico algorithms, and/or has population frequency not consistent with disease.